The following is an entry in ClinVar:

ClinVar aggregate classification (germline): Likely pathogenic (1 of 4 stars; one submission).

Conditions:
Medulloblastoma (MDB). Also called: MEDULLOBLASTOMA PREDISPOSITION SYNDROME; Medulloblastoma, somatic. Identifiers: Orphanet 616, MedGen C0025149, MeSH D008527, MONDO:0007959, OMIM 155255, HP:0002885.
Gorlin syndrome. Also called: Nevoid Basal Cell Carcinoma Syndrome; Basal cell nevus syndrome. Identifiers: Orphanet 377, MedGen C0004779, MONDO:0007187.

Submission:

Labcorp Genetics (formerly Invitae), Labcorp
Classification: Likely pathogenic for Gorlin syndrome; Medulloblastoma. Last evaluated: 2023-09-06. Review status: criteria provided, single submitter. Criteria: Invitae Variant Classification Sherloc (09022015). Collection method: clinical testing. Allele origin: germline.
Comment: In summary, the currently available evidence indicates that the variant is pathogenic, but additional data are needed to prove that conclusively. Therefore, this variant has been classified as Likely Pathogenic. This variant has not been reported in the literature in individuals affected with SUFU-related conditions. This variant is not present in population databases (gnomAD no frequency). This variant results in the deletion of part of exon 2 (c.183-4_247del) of the SUFU gene. It is expected to disrupt RNA splicing. Variants that disrupt the donor or acceptor splice site typically lead to a loss of protein function (PMID: 16199547), and loss-of-function variants in SUFU are known to be pathogenic (PMID: 22508808, 25403219, 33024317).

Literature cited by the submitters: PubMed 16199547; PubMed 22508808; PubMed 25403219; PubMed 33024317.

NM_016169.4(SUFU):c.183-4_247del

Gene: SUFU (SUFU negative regulator of hedgehog signaling; plus strand). Cytogenetic location: 10q24.32.
Variant type: Deletion.
Coding change: c.183-4_247del on transcript NM_016169.4 (MANE Select); 4 bases into the intron before coding-DNA position 183 through coding-DNA position 247, 69 bases deleted.
Molecular consequence: splice acceptor variant.
Genome position (GRCh38, 1-based): chr10:102,509,165-102,509,233, 69 bases deleted. GRCh37 (hg19): chr10:104,268,922-104,268,990.
Other names: c.183-4_247del (NM_001178133.2).
Identifiers: ClinVar variation 2951529 (VCV002951529.3), dbSNP rs2544845356, ClinGen allele CA2740093516.